The following is an entry in ClinVar:

ClinVar aggregate classification (germline): Likely pathogenic (1 of 4 stars; one submission).

Conditions:
Spondylocostal dysostosis 2, autosomal recessive (SCDO2). Also called: MESP2-Related Spondylocostal Dysostosis, Autosomal Recessive; Spondylocostal dysostosis type 2. Identifiers: Orphanet 2311, MedGen C1837549, MONDO:0012097, OMIM 608681.

Submission:

Natera, Inc.
Classification: Likely pathogenic for Spondylocostal dysostosis type 2. Last evaluated: 2024-07-30. Review status: criteria provided, single submitter. Criteria: Natera Variant Classification Schema (03/2026). Collection method: clinical testing. Allele origin: germline.
Comment: The c.545_563del variant in MESP2 is a frameshift variant predicted to elongate the protein beyond the termination codon. This variant is expected to result in nonsense mediated decay, truncation, or a dysfunctional protein product. This variant is rare in the general population with a frequency below the threshold expected for the associated phenotype(s). Given the available evidence, this variant is classified as Likely Pathogenic.

NM_001039958.2(MESP2):c.545_563del (p.Gln182fs)

Gene: MESP2 (mesoderm posterior bHLH transcription factor 2; plus strand). Cytogenetic location: 15q26.1.
Variant type: Deletion.
Coding change: c.545_563del on transcript NM_001039958.2 (MANE Select); coding-DNA positions 545 to 563, 19 bases deleted (AAGGGCAGGGGCAGGGGCA).
Protein change: p.Gln182fs; shifts the reading frame from glutamine 182.
Molecular consequence: frameshift variant.
Genome position (GRCh38, 1-based): chr15:89,776,902-89,776,920, AAGGGCAGGGGCAGGGGCA deleted. VCF-style (leftmost placement, unchanged base first): chr15-89776901-CAAGGGCAGGGGCAGGGGCA-C. GRCh37 (hg19) VCF-style: chr15-90320132-CAAGGGCAGGGGCAGGGGCA-C.
Other names: short protein forms Q182fs.
Identifiers: ClinVar variation 4814570 (VCV004814570.1).